The following is an entry in ClinVar:

NM_032737.4(LMNB2):c.310C>T (p.Arg104Trp)

Gene: LMNB2 (lamin B2; minus strand). Cytogenetic location: 19p13.3.
Variant type: single nucleotide variant.
Coding change: c.310C>T on transcript NM_032737.4 (MANE Select); coding-DNA position 310, C replaced by T.
Protein change: p.Arg104Trp; replaces arginine 104 with tryptophan.
Molecular consequence: missense variant.
Genome position (GRCh38, 1-based): chr19:2,444,495, G>A on the plus strand (C>T on the coding strand, the complement: LMNB2 is on the minus strand). VCF-style: chr19-2444495-G-A. GRCh37 (hg19) VCF-style: chr19-2444493-G-A.
Other names: short protein forms R104W.
Identifiers: ClinVar variation 1383813 (VCV001383813.6), dbSNP rs150333146, ClinGen allele CA304237626.

ClinVar aggregate classification (germline): Uncertain significance (1 of 4 stars; one submission).

Conditions:
Lipodystrophy, partial, acquired, susceptibility to (APLD). Also called: APLD, SUSCEPTIBILITY TO. Identifiers: MedGen C3887501, MONDO:0100476, OMIM 608709.
Progressive myoclonic epilepsy type 9. Identifiers: Orphanet 457265, MedGen C4225289, MONDO:0014685, OMIM 616540.

Allele frequency attached by ClinVar (database versions not stated): gnomAD exomes below 0.00001; ESP Exome Variant Server 0.00008.
gnomAD v4.1: 8 of 1,613,014 alleles (0.0005%); highest among the groups gnomAD compares: Non-Finnish European, 0.00025%; no homozygotes.

Submission:

Labcorp Genetics (formerly Invitae), Labcorp
Classification: Uncertain significance for Progressive myoclonic epilepsy type 9; Lipodystrophy, partial, acquired, susceptibility to. Last evaluated: 2021-12-03. Review status: criteria provided, single submitter. Criteria: Invitae Variant Classification Sherloc (09022015). Collection method: clinical testing. Allele origin: germline.
Comment: This sequence change replaces arginine, which is basic and polar, with tryptophan, which is neutral and slightly polar, at codon 104 of the LMNB2 protein (p.Arg104Trp). This variant is present in population databases (rs150333146, gnomAD 0.01%). This variant has not been reported in the literature in individuals affected with LMNB2-related conditions. Algorithms developed to predict the effect of missense changes on protein structure and function (SIFT, PolyPhen-2, Align-GVGD) all suggest that this variant is likely to be disruptive. In summary, the available evidence is currently insufficient to determine the role of this variant in disease. Therefore, it has been classified as a Variant of Uncertain Significance.